The following is an entry in ClinVar:

ClinVar aggregate classification (germline): Conflicting classifications of pathogenicity. Review status: criteria provided, conflicting classifications (1 of 4 stars). 2 submissions from 2 submitters: Uncertain significance (1); Likely benign (1). Last evaluated 2025-06-12.

Conditions:
Tuberous sclerosis 2 (TSC2). Identifiers: Orphanet 805, MedGen C1860707, MONDO:0013199, OMIM 613254.
Isolated focal cortical dysplasia type II (FCORD2). Also called: Focal cortical dysplasia type II; CORTICAL DYSPLASIA OF TAYLOR. Identifiers: Orphanet 268994, MedGen C1846385, MONDO:0011818, OMIM 607341, HP:0032051.

Submissions (2):

Labcorp Genetics (formerly Invitae), Labcorp
Classification: Uncertain significance for Tuberous sclerosis 2. Last evaluated: 2025-06-12. Review status: criteria provided, single submitter. Criteria: Invitae Variant Classification Sherloc (09022015). Collection method: clinical testing. Allele origin: germline.
Comment: This sequence change replaces proline, which is neutral and non-polar, with alanine, which is neutral and non-polar, at codon 1098 of the TSC2 protein (p.Pro1098Ala). This variant is not present in population databases (gnomAD no frequency). This variant has not been reported in the literature in individuals affected with TSC2-related conditions. ClinVar contains an entry for this variant (Variation ID: 1421282). Invitae Evidence Modeling of protein sequence and biophysical properties (such as structural, functional, and spatial information, amino acid conservation, physicochemical variation, residue mobility, and thermodynamic stability) indicates that this missense variant is not expected to disrupt TSC2 protein function with a negative predictive value of 95%. In summary, the available evidence is currently insufficient to determine the role of this variant in disease. Therefore, it has been classified as a Variant of Uncertain Significance.

3billion
Classification: Likely benign for Isolated focal cortical dysplasia type II; Tuberous sclerosis 2. Last evaluated: 2024-09-20. Review status: criteria provided, single submitter. Criteria: ACMG Guidelines, 2015. Collection method: clinical testing. Allele origin: germline. Affected: no.
Comment: The variant was identified in at least one patient who was diagnosed with a different variant in another gene and showed no symptoms related to the gene containing the variant in question.

NM_000548.5(TSC2):c.3292C>G (p.Pro1098Ala)

Gene: TSC2 (TSC complex subunit 2; plus strand). Cytogenetic location: 16p13.3.
Variant type: single nucleotide variant.
Coding change: c.3292C>G on transcript NM_000548.5 (MANE Select); coding-DNA position 3292, C replaced by G.
Protein change: p.Pro1098Ala; replaces proline 1098 with alanine.
Molecular consequence: missense variant.
Genome position (GRCh38, 1-based): chr16:2,079,564, C>G. VCF-style: chr16-2079564-C-G. GRCh37 (hg19) VCF-style: chr16-2129565-C-G.
Other names: c.3160C>G, p.Pro1054Ala (NM_001077183.3, NM_001370404.1); c.3292C>G, p.Pro1098Ala (NM_001114382.3); c.3052C>G, p.Pro1018Ala (NM_001318827.2); c.3016C>G, p.Pro1006Ala (NM_001318829.2); c.2560C>G, p.Pro854Ala (NM_001318831.2); c.3193C>G, p.Pro1065Ala (NM_001318832.2); c.3163C>G, p.Pro1055Ala (NM_001363528.2, NM_001370405.1, NM_021055.3); short protein forms P1006A, P854A, P1018A, P1054A, P1098A, P1055A, P1065A.
Identifiers: ClinVar variation 1421282 (VCV001421282.7), dbSNP rs772686090, ClinGen allele CA394286456.